The following is an entry in ClinVar:

NM_000069.3(CACNA1S):c.4091T>C (p.Phe1364Ser)

Gene: CACNA1S (calcium voltage-gated channel subunit alpha1 S; minus strand). Cytogenetic location: 1q32.1.
Variant type: single nucleotide variant.
Coding change: c.4091T>C on transcript NM_000069.3 (MANE Select); coding-DNA position 4091, T replaced by C.
Protein change: p.Phe1364Ser; replaces phenylalanine 1364 with serine.
Molecular consequence: missense variant.
Genome position (GRCh38, 1-based): chr1:201,051,006, A>G on the plus strand (T>C on the coding strand, the complement: CACNA1S is on the minus strand). VCF-style: chr1-201051006-A-G. GRCh37 (hg19) VCF-style: chr1-201020134-A-G.
Other names: short protein forms F1364S.
Identifiers: ClinVar variation 3386315 (VCV003386315.1).

ClinVar aggregate classification (germline): Uncertain significance (1 of 4 stars; one submission).

Conditions:
Malignant hyperthermia, susceptibility to, 5 (MHS5). Also called: CACNA1S-Related Malignant Hyperthermia Susceptibility. Identifiers: Orphanet 423, MedGen C1866077, MONDO:0011163, OMIM 601887.

Submission:

All of Us Research Program, National Institutes of Health
Classification: Uncertain significance for Malignant hyperthermia, susceptibility to, 5. Last evaluated: 2024-03-05. Review status: criteria provided, single submitter. Criteria: ACMG Guidelines, 2015. Collection method: clinical testing. Allele origin: germline. Inheritance: Autosomal dominant inheritance. Observed: 1 variant allele, 1 heterozygote.
Comment: This study involves interpretation of variants in research participants for the purpose of population health screening. Participant phenotype was not available at the time of variant classification. Additional details can be found in publication PMID: 35346344, PMCID: PMC8962531